The following is an entry in ClinVar:

NM_000540.3(RYR1):c.13683C>T (p.Tyr4561=)

Gene: RYR1 (ryanodine receptor 1; plus strand). Cytogenetic location: 19q13.2.
Variant type: single nucleotide variant.
Coding change: c.13683C>T on transcript NM_000540.3 (MANE Select); coding-DNA position 13683, C replaced by T.
Protein change: p.Tyr4561=; no amino-acid change (tyrosine 4561 retained).
Molecular consequence: synonymous variant.
Genome position (GRCh38, 1-based): chr19:38,570,630, C>T. VCF-style: chr19-38570630-C-T. GRCh37 (hg19) VCF-style: chr19-39061270-C-T.
Other names: c.13668C>T, p.Tyr4556= (NM_001042723.2).
Identifiers: ClinVar variation 3069350 (VCV003069350.1), dbSNP rs2514706940, ClinGen allele CA507244821.

ClinVar aggregate classification (germline): Likely benign (1 of 4 stars; one submission).

Conditions:
Malignant hyperthermia, susceptibility to, 1 (MHS1). Also called: RYR1-Related Malignant Hyperthermia Susceptibility; Anesthesia related hyperthermia; Malignant hyperpyrexia; Fulminating hyperpyrexia; Pharmacogenic myopathy; Malignant hyperthermia suceptibility 1. Identifiers: Orphanet 423, MedGen C2930980, MONDO:0007783, OMIM 145600.

Allele frequency attached by ClinVar (database versions not stated): gnomAD exomes below 0.00001.
gnomAD v4.1: 1 of 1,614,026 alleles (0.000062%); highest among the groups gnomAD compares: Non-Finnish European, 0.000085%; no homozygotes.

Submission:

All of Us Research Program, National Institutes of Health
Classification: Likely benign for Malignant hyperthermia, susceptibility to, 1. Last evaluated: 2023-01-10. Review status: criteria provided, single submitter. Criteria: ACMG Guidelines, 2015. Collection method: clinical testing. Allele origin: germline. Inheritance: Autosomal dominant inheritance. Observed: 1 variant allele, 1 heterozygote.
Comment: This study involves interpretation of variants in research participants for the purpose of population health screening. Participant phenotype was not available at the time of variant classification. Additional details can be found in publication PMID: 35346344, PMCID: PMC8962531